The following is an entry in ClinVar:

NM_000500.9(CYP21A2):c.305C>T (p.Ser102Phe)

Genes: CYP21A2 (cytochrome P450 family 21 subfamily A member 2; plus strand), LOC106780800 (CYP21A2 recombination region; plus strand). Cytogenetic location: 6p21.33.
Variant type: single nucleotide variant.
Coding change: c.305C>T on transcript NM_000500.9 (MANE Select); coding-DNA position 305, C replaced by T.
Protein change: p.Ser102Phe; replaces serine 102 with phenylalanine.
Molecular consequence: missense variant. On other transcripts: 5 prime UTR variant (2).
Genome position (GRCh38, 1-based): chr6:32,039,106, C>T. VCF-style: chr6-32039106-C-T. GRCh37 (hg19) VCF-style: chr6-32006883-C-T.
Other names: c.215C>T, p.Ser72Phe (NM_001128590.4); c.-101C>T (NM_001368143.2, NM_001368144.2); short protein forms S102F, S72F.
Identifiers: ClinVar variation 5042615 (VCV005042615.1).

ClinVar aggregate classification (germline): Uncertain significance (1 of 4 stars; one submission).

Conditions:
21-Hydroxylase-Deficient Congenital Adrenal Hyperplasia. Also called: ADRENAL HYPERPLASIA III; ADRENAL HYPERPLASIA, CONGENITAL, DUE TO 21-HYDROXYLASE DEFICIENCY. Identifiers: MedGen C2936858, OMIM 201910.

Submission:

Hema, HEMA – Genetic and Molecular Diagnostic Laboratory
Classification: Uncertain significance for 21-Hydroxylase-Deficient Congenital Adrenal Hyperplasia. Last evaluated: 2026-03-06. Review status: criteria provided, single submitter. Criteria: HEMA Variant Classification Assertion Criteria. Collection method: clinical testing. Allele origin: germline.
Comment: The c.305C>T p.(Ser102Phe) variant is a transition from cytosine to thymine, resulting in the substitution of serine 102 by phenylalanine. PM2_Supporting: Absent in the gnomAD v4.1.0 database. BP4: The computational metapredictor REVEL score = 0.27 ≤ 0.290, indicating that the variant is not likely to have an effect on the CYP21A2 protein.